The following is an entry in ClinVar:

NM_025132.4(WDR19):c.2562+5T>C

Gene: WDR19 (WD repeat domain 19; plus strand). Cytogenetic location: 4p14.
Variant type: single nucleotide variant.
Coding change: c.2562+5T>C on transcript NM_025132.4 (MANE Select); 5 bases into the intron after coding-DNA position 2562, T replaced by C.
Molecular consequence: intron variant.
Genome position (GRCh38, 1-based): chr4:39,244,393, T>C. VCF-style: chr4-39244393-T-C. GRCh37 (hg19) VCF-style: chr4-39246013-T-C.
Other names: c.2082+5T>C (NM_001317924.2).
Identifiers: ClinVar variation 1940187 (VCV001940187.5), dbSNP rs1267794136, ClinGen allele CA550719809.

ClinVar aggregate classification (germline): Uncertain significance (1 of 4 stars; one submission).

Conditions:
Senior-Loken syndrome 8 (SLSN8). Identifiers: Orphanet 3156, MedGen C4225376, MONDO:0014579, OMIM 616307.
Asphyxiating thoracic dystrophy 5 (SRTD5). Also called: SHORT-RIB THORACIC DYSPLASIA 5 WITH OR WITHOUT POLYDACTYLY; SHORT-RIB THORACIC DYSPLASIA 5 WITHOUT POLYDACTYLY. Identifiers: Orphanet 474, MedGen C3280598, MONDO:0013717, OMIM 614376.

Submission:

Labcorp Genetics (formerly Invitae), Labcorp
Classification: Uncertain significance for Senior-Loken syndrome 8; Asphyxiating thoracic dystrophy 5. Last evaluated: 2022-05-31. Review status: criteria provided, single submitter. Criteria: Invitae Variant Classification Sherloc (09022015). Collection method: clinical testing. Allele origin: germline.
Comment: This sequence change falls in intron 22 of the WDR19 gene. It does not directly change the encoded amino acid sequence of the WDR19 protein. It affects a nucleotide within the consensus splice site. This variant is present in population databases (no rsID available, gnomAD 0.003%). This variant has not been reported in the literature in individuals affected with WDR19-related conditions. Variants that disrupt the consensus splice site are a relatively common cause of aberrant splicing (PMID: 17576681, 9536098). Algorithms developed to predict the effect of sequence changes on RNA splicing suggest that this variant is not likely to affect RNA splicing. In summary, the available evidence is currently insufficient to determine the role of this variant in disease. Therefore, it has been classified as a Variant of Uncertain Significance.

Literature cited by the submitters: PubMed 17576681; PubMed 9536098.